The following is an entry in ClinVar:

ClinVar aggregate classification (germline): Uncertain significance. Review status: criteria provided, multiple submitters, no conflicts (2 of 4 stars). 4 submissions from 4 submitters: Uncertain significance (4). Last evaluated 2025-08-13.

Conditions:
BRCA2-related cancer predisposition. Identifiers: MedGen CN377758, MONDO:0700269.
Hereditary cancer-predisposing syndrome. Also called: Hereditary neoplastic syndrome; Hereditary Cancer Syndrome; Neoplastic Syndromes, Hereditary; Tumor predisposition. Identifiers: Orphanet 140162, MedGen C0027672, MeSH D009386, MONDO:0015356.
Hereditary breast ovarian cancer syndrome. Also called: Hereditary breast and ovarian cancer syndrome; Hereditary breast and ovarian cancer syndrome (HBOC); Breast and ovarian cancer; Hereditary breast and/or ovarian cancer syndrome; Hereditary breast and ovarian cancer; BRCA1- and BRCA2-Associated Hereditary Breast and Ovarian Cancer. Identifiers: Orphanet 145, MedGen C0677776, MeSH D061325, MONDO:0003582. Disease mechanism: loss of function.

Submissions (4):

Labcorp Genetics (formerly Invitae), Labcorp
Classification: Uncertain significance for Hereditary breast ovarian cancer syndrome. Last evaluated: 2025-08-13. Review status: criteria provided, single submitter. Criteria: Invitae Variant Classification Sherloc (09022015). Collection method: clinical testing. Allele origin: germline.
Comment: This sequence change replaces asparagine, which is neutral and polar, with aspartic acid, which is acidic and polar, at codon 2425 of the BRCA2 protein (p.Asn2425Asp). This variant is not present in population databases (gnomAD no frequency). This variant has not been reported in the literature in individuals affected with BRCA2-related conditions. ClinVar contains an entry for this variant (Variation ID: 229947). Invitae Evidence Modeling of protein sequence and biophysical properties (such as structural, functional, and spatial information, amino acid conservation, physicochemical variation, residue mobility, and thermodynamic stability) indicates that this missense variant is not expected to disrupt BRCA2 protein function with a negative predictive value of 95%. In summary, the available evidence is currently insufficient to determine the role of this variant in disease. Therefore, it has been classified as a Variant of Uncertain Significance.

Ambry Genetics
Classification: Uncertain significance for Hereditary cancer-predisposing syndrome. Last evaluated: 2024-09-22. Review status: criteria provided, single submitter. Criteria: Ambry Variant Classification Scheme 2023. Collection method: clinical testing. Allele origin: germline.
Comment: The p.N2425D variant (also known as c.7273A>G and c.7501A>G), located in coding exon 13 of the BRCA2 gene, results from an A to G substitution at nucleotide position 7273. The asparagine at codon 2425 is replaced by aspartic acid, an amino acid with highly similar properties. This amino acid position is not well conserved in available vertebrate species. In addition, this alteration is predicted to be tolerated by in silico analysis. Since supporting evidence is limited at this time, the clinical significance of this alteration remains unclear.

All of Us Research Program, National Institutes of Health
Classification: Uncertain significance for BRCA2-related cancer predisposition. Last evaluated: 2024-05-14. Review status: criteria provided, single submitter. Criteria: ACMG Guidelines, 2015. Collection method: clinical testing. Allele origin: germline. Inheritance: Autosomal dominant inheritance. Observed: 1 variant allele, 1 heterozygote.
Comment: This missense variant replaces asparagine with aspartic acid at codon 2425 of the BRCA2 protein. Computational prediction suggests that this variant may not impact protein structure and function. To our knowledge, functional studies have not been reported for this variant. This variant has not been reported in individuals affected with BRCA2-related disorders in the literature. This variant has not been identified in the general population by the Genome Aggregation Database (gnomAD). The available evidence is insufficient to determine the role of this variant in disease conclusively. Therefore, this variant is classified as a Variant of Uncertain Significance.

This study involves interpretation of variants in research participants for the purpose of population health screening. Participant phenotype was not available at the time of variant classification. Additional details can be found in publication PMID: 35346344, PMCID: PMC8962531

Color Diagnostics, LLC DBA Color Health
Classification: Uncertain significance for Hereditary cancer-predisposing syndrome. Last evaluated: 2024-04-23. Review status: criteria provided, single submitter. Criteria: ACMG Guidelines, 2015. Collection method: clinical testing. Allele origin: germline.
Comment: This missense variant replaces asparagine with aspartic acid at codon 2425 of the BRCA2 protein. Computational prediction suggests that this variant may not impact protein structure and function. To our knowledge, functional studies have not been reported for this variant. This variant has not been reported in individuals affected with BRCA2-related disorders in the literature. This variant has not been identified in the general population by the Genome Aggregation Database (gnomAD). The available evidence is insufficient to determine the role of this variant in disease conclusively. Therefore, this variant is classified as a Variant of Uncertain Significance.

NM_000059.4(BRCA2):c.7273A>G (p.Asn2425Asp)

Gene: BRCA2 (BRCA2 DNA repair associated; plus strand). Cytogenetic location: 13q13.1.
Variant type: single nucleotide variant.
Coding change: c.7273A>G on transcript NM_000059.4 (MANE Select); coding-DNA position 7273, A replaced by G.
Protein change: p.Asn2425Asp; replaces asparagine 2425 with aspartic acid.
Molecular consequence: missense variant.
Genome position (GRCh38, 1-based): chr13:32,355,126, A>G. VCF-style: chr13-32355126-A-G. GRCh37 (hg19) VCF-style: chr13-32929263-A-G.
Other names: short protein forms N2425D.
Identifiers: ClinVar variation 229947 (VCV000229947.20), dbSNP rs876658292, ClinGen allele CA10579731.